The following is an entry in ClinVar:

ClinVar aggregate classification (germline): Benign/Likely benign. Review status: criteria provided, multiple submitters, no conflicts (2 of 4 stars). 5 submissions from 5 submitters: Benign (1); Likely benign (4). Last evaluated 2025-06-30.

Conditions:
Oligodontia-cancer predisposition syndrome. Also called: TOOTH AGENESIS-COLORECTAL CANCER SYNDROME. Identifiers: Orphanet 300576, MedGen C1837750, MONDO:0012075, OMIM 608615. Disease mechanism: loss of function.
Hereditary cancer-predisposing syndrome. Also called: Hereditary Cancer Syndrome; Neoplastic Syndromes, Hereditary; Tumor predisposition; Hereditary neoplastic syndrome. Identifiers: Orphanet 140162, MedGen C0027672, MeSH D009386, MONDO:0015356.

Allele frequency attached by ClinVar (database versions not stated): gnomAD 0.00001.
gnomAD v4.1: 1 of 1,605,582 alleles (0.000062%); highest among the groups gnomAD compares: African/African-American, 0.0013%; no homozygotes.

Submissions (5):

Labcorp Genetics (formerly Invitae), Labcorp
Classification: Likely benign for Oligodontia-cancer predisposition syndrome. Last evaluated: 2025-06-30. Review status: criteria provided, single submitter. Criteria: Invitae Variant Classification Sherloc (09022015). Collection method: clinical testing. Allele origin: germline.

Myriad Genetics, Inc.
Classification: Benign for Oligodontia-cancer predisposition syndrome. Last evaluated: 2024-06-25. Review status: criteria provided, single submitter. Criteria: Myriad Autosomal Dominant, Autosomal Recessive and X-Linked Classification Criteria (2023). Collection method: clinical testing. Allele origin: unknown.
Comment: This variant is considered benign. This variant is a silent/synonymous amino acid change and it is not expected to impact splicing.

Quest Diagnostics Nichols Institute San Juan Capistrano
Classification: Likely benign. Last evaluated: 2022-12-06. Review status: criteria provided, single submitter. Criteria: Quest Diagnostics criteria. Collection method: clinical testing. Allele origin: unknown.

Ambry Genetics
Classification: Likely benign for Hereditary cancer-predisposing syndrome. Last evaluated: 2019-12-11. Review status: criteria provided, single submitter. Criteria: Ambry Variant Classification Scheme 2023. Collection method: clinical testing. Allele origin: germline.

GeneDx
Classification: Likely benign. Last evaluated: 2017-11-08. Review status: criteria provided, single submitter. Criteria: GeneDx Variant Classification (06012015). Collection method: clinical testing. Allele origin: germline. Affected: yes.
Comment: This variant is considered likely benign or benign based on one or more of the following criteria: it is a conservative change, it occurs at a poorly conserved position in the protein, it is predicted to be benign by multiple in silico algorithms, and/or has population frequency not consistent with disease.

NM_004655.4(AXIN2):c.6T>C (p.Ser2=)

Gene: AXIN2 (axin 2; minus strand). Cytogenetic location: 17q24.1.
Variant type: single nucleotide variant.
Coding change: c.6T>C on transcript NM_004655.4 (MANE Select); coding-DNA position 6, T replaced by C.
Protein change: p.Ser2=; no amino-acid change (serine 2 retained).
Molecular consequence: synonymous variant.
Genome position (GRCh38, 1-based): chr17:65,558,615, A>G on the plus strand (T>C on the coding strand, the complement: AXIN2 is on the minus strand). VCF-style: chr17-65558615-A-G. GRCh37 (hg19) VCF-style: chr17-63554733-A-G.
Other names: c.6T>C (LRG_296t1); c.6T>C, p.Ser2= (NM_001363813.1).
Identifiers: ClinVar variation 513289 (VCV000513289.16), dbSNP rs1475337539, ClinGen allele CA501691780.